The following is an entry in ClinVar:

ClinVar aggregate classification (germline): Uncertain significance. Review status: criteria provided, multiple submitters, no conflicts (2 of 4 stars). 4 submissions from 4 submitters: Uncertain significance (4). Last evaluated 2024-01-03.

Conditions:
Inborn genetic diseases. Identifiers: MedGen C0950123, MeSH D030342.
Fraser syndrome 1 (FRASRS1). Also called: CRYPTOPHTHALMOS WITH OTHER MALFORMATIONS. Identifiers: Orphanet 2052, MedGen C4551480, MONDO:0054737, OMIM 219000.

Allele frequency attached by ClinVar (database versions not stated): ExAC 0.00001; gnomAD exomes 0.00002 and 0.00003; gnomAD 0.00003 and 0.00004; TOPMed 0.00003; 1000 Genomes Project 0.00020; 1000 Genomes Project 30x 0.00031.
gnomAD v4.1: 44 of 1,613,808 alleles (0.0027%); highest among the groups gnomAD compares: African/African-American, 0.0053%; no homozygotes.

Submissions (4):

Ambry Genetics
Classification: Uncertain significance for Inborn genetic diseases. Last evaluated: 2024-01-03. Review status: criteria provided, single submitter. Criteria: Ambry Variant Classification Scheme 2023. Collection method: clinical testing. Allele origin: germline.

Fulgent Genetics
Classification: Uncertain significance for Fraser syndrome 1. Last evaluated: 2022-05-12. Review status: criteria provided, single submitter. Criteria: ACMG Guidelines, 2015. Collection method: clinical testing. Allele origin: unknown.

Labcorp Genetics (formerly Invitae), Labcorp
Classification: Uncertain significance. Last evaluated: 2021-08-24. Review status: criteria provided, single submitter. Criteria: Invitae Variant Classification Sherloc (09022015). Collection method: clinical testing. Allele origin: germline.
Comment: This sequence change replaces serine with threonine at codon 286 of the FRAS1 protein (p.Ser286Thr). The serine residue is moderately conserved and there is a small physicochemical difference between serine and threonine. This variant is present in population databases (rs189205642, ExAC 0.002%). This variant has not been reported in the literature in individuals affected with FRAS1-related conditions. ClinVar contains an entry for this variant (Variation ID: 903749). Algorithms developed to predict the effect of missense changes on protein structure and function (SIFT, PolyPhen-2, Align-GVGD) all suggest that this variant is likely to be tolerated. In summary, the available evidence is currently insufficient to determine the role of this variant in disease. Therefore, it has been classified as a Variant of Uncertain Significance.

Illumina Laboratory Services, Illumina
Classification: Uncertain significance for Fraser syndrome 1. Last evaluated: 2018-01-12. Review status: criteria provided, single submitter. Criteria: ICSL Variant Classification Criteria 13 December 2019. Collection method: clinical testing. Allele origin: germline.

NM_025074.7(FRAS1):c.856T>A (p.Ser286Thr)

Gene: FRAS1 (Fraser extracellular matrix complex subunit 1; plus strand). Cytogenetic location: 4q21.21.
Variant type: single nucleotide variant.
Coding change: c.856T>A on transcript NM_025074.7 (MANE Select); coding-DNA position 856, T replaced by A.
Protein change: p.Ser286Thr; replaces serine 286 with threonine.
Molecular consequence: missense variant.
Genome position (GRCh38, 1-based): chr4:78,267,307, T>A. VCF-style: chr4-78267307-T-A. GRCh37 (hg19) VCF-style: chr4-79188461-T-A.
Other names: c.856T>A, p.Ser286Thr (NM_001166133.2); short protein forms S286T.
Identifiers: ClinVar variation 903749 (VCV000903749.10), dbSNP rs189205642, ClinGen allele CA2976100.